The following is an entry in ClinVar:

ClinVar aggregate classification (germline): Uncertain significance (1 of 4 stars; one submission).

Submission:

Labcorp Genetics (formerly Invitae), Labcorp
Classification: Uncertain significance. Last evaluated: 2022-11-24. Review status: criteria provided, single submitter. Criteria: Invitae Variant Classification Sherloc (09022015). Collection method: clinical testing. Allele origin: germline.
Comment: Algorithms developed to predict the effect of missense changes on protein structure and function are either unavailable or do not agree on the potential impact of this missense change (SIFT: "Deleterious"; PolyPhen-2: "Benign"; Align-GVGD: "Class C0"). In summary, the available evidence is currently insufficient to determine the role of this variant in disease. Therefore, it has been classified as a Variant of Uncertain Significance. This variant has not been reported in the literature in individuals affected with CACNA1D-related conditions. This variant is not present in population databases (gnomAD no frequency). This sequence change replaces proline, which is neutral and non-polar, with leucine, which is neutral and non-polar, at codon 1917 of the CACNA1D protein (p.Pro1917Leu).

NM_001128840.3(CACNA1D):c.5690C>T (p.Pro1897Leu)

Gene: CACNA1D (calcium voltage-gated channel subunit alpha1 D; plus strand). Cytogenetic location: 3p21.1.
Variant type: single nucleotide variant.
Coding change: c.5690C>T on transcript NM_001128840.3 (MANE Select); coding-DNA position 5690, C replaced by T.
Protein change: p.Pro1897Leu; replaces proline 1897 with leucine.
Molecular consequence: missense variant.
Genome position (GRCh38, 1-based): chr3:53,805,087, C>T. VCF-style: chr3-53805087-C-T. GRCh37 (hg19) VCF-style: chr3-53839114-C-T.
Other names: c.5750C>T, p.Pro1917Leu (NM_000720.4); c.5618C>T, p.Pro1873Leu (NM_001128839.3); short protein forms P1917L, P1873L, P1897L.
Identifiers: ClinVar variation 2994325 (VCV002994325.3), dbSNP rs2474508524, ClinGen allele CA353254713.